The following is an entry in ClinVar:

ClinVar aggregate classification (germline): Uncertain significance. Review status: criteria provided, multiple submitters, no conflicts (2 of 4 stars). 2 submissions from 2 submitters: Uncertain significance (2). Last evaluated 2025-12-31.

Submissions (2):

Women's Health and Genetics/Laboratory Corporation of America, LabCorp
Classification: Uncertain significance. Last evaluated: 2025-12-31. Review status: criteria provided, single submitter. Criteria: LabCorp Variant Classification Summary - May 2015. Collection method: clinical testing. Allele origin: germline.
Comment: Variant summary: SLC34A1 c.1756delC (p.Leu586X) results in a premature termination codon, predicted to cause a truncation of the encoded protein or absence of the protein due to nonsense mediated decay, which are commonly known mechanisms for disease. The variant allele was found at a frequency of 4e-06 in 249774 control chromosomes. The available data on variant occurrences in the general population are insufficient to allow any conclusion about variant significance. To our knowledge, no occurrence of c.1756delC in individuals affected with SLC34A1-related conditions and no experimental evidence demonstrating its impact on protein function have been reported. ClinVar contains an entry for this variant (Variation ID: 1499164). Based on the evidence outlined above, the variant was classified as uncertain significance.

Labcorp Genetics (formerly Invitae), Labcorp
Classification: Uncertain significance. Last evaluated: 2023-07-14. Review status: criteria provided, single submitter. Criteria: Invitae Variant Classification Sherloc (09022015). Collection method: clinical testing. Allele origin: germline.
Comment: This variant is present in population databases (rs748473775, gnomAD 0.0009%). In summary, the available evidence is currently insufficient to determine the role of this variant in disease. Therefore, it has been classified as a Variant of Uncertain Significance. Experimental studies and prediction algorithms are not available or were not evaluated, and the functional significance of this variant is currently unknown. ClinVar contains an entry for this variant (Variation ID: 1499164). This variant has not been reported in the literature in individuals affected with SLC34A1-related conditions. This sequence change creates a premature translational stop signal (p.Leu586*) in the SLC34A1 gene. While this is not anticipated to result in nonsense mediated decay, it is expected to disrupt the last 54 amino acid(s) of the SLC34A1 protein.

NM_003052.5(SLC34A1):c.1756del (p.Ser585_Leu586insTer)

Gene: SLC34A1 (solute carrier family 34 member 1; plus strand). Cytogenetic location: 5q35.3.
Variant type: Deletion.
Coding change: c.1756del on transcript NM_003052.5 (MANE Select); coding-DNA position 1756, one base deleted (C; older notation c.1756delC).
Protein change: p.Ser585_Leu586insTer.
Molecular consequence: nonsense.
Genome position (GRCh38, 1-based): chr5:177,398,122, C deleted; the last of 3 consecutive C bases (chr5:177,398,120-177,398,122); deleting any one gives the same sequence. VCF-style (leftmost placement, unchanged base first): chr5-177398119-TC-T. GRCh37 (hg19) VCF-style: chr5-176825120-TC-T.
Other names: c.1756delC (NM_003052.5).
Identifiers: ClinVar variation 1499164 (VCV001499164.7), dbSNP rs748473775, ClinGen allele CA3580876.